The following is an entry in ClinVar:

ClinVar aggregate classification (germline): Likely benign (1 of 4 stars; one submission).

Conditions:
Breast-ovarian cancer, familial, susceptibility to, 1 (BROVCA1). Also called: OVARIAN CANCER, SUSCEPTIBILITY TO; BRCA1 Hereditary Breast and Ovarian Cancer. Identifiers: Orphanet 145, MedGen C2676676, MONDO:0011450, OMIM 604370. Disease mechanism: loss of function.

gnomAD v4.1: 1 of 1,614,014 alleles (0.000062%); highest among the groups gnomAD compares: South Asian, 0.0011%; no homozygotes.

Submission:

Cancer Bioinformatics and Tumour Evolution Laboratory, Monash University
Classification: Likely benign for Breast-ovarian cancer, familial, susceptibility to, 1. Last evaluated: 2026-05-01. Review status: criteria provided, single submitter. Criteria: ClinGen BRCA1 and BRCA2 Guidelines, 2024. Collection method: curation. Allele origin: germline. Inheritance: Autosomal dominant inheritance.
Comment: Missense variant outside of a functional domain with no splice impact. BRCA1 and BRCA2 VCEP guidelines recommend application of BP1_Strong (PMID: 39142283)

NM_007294.4(BRCA1):c.3202A>T (p.Ile1068Phe)

Gene: BRCA1 (BRCA1 DNA repair associated; minus strand). Cytogenetic location: 17q21.31.
Variant type: single nucleotide variant.
Coding change: c.3202A>T on transcript NM_007294.4 (MANE Select); coding-DNA position 3202, A replaced by T.
Protein change: p.Ile1068Phe; replaces isoleucine 1068 with phenylalanine.
Molecular consequence: missense variant. On other transcripts: intron variant (137).
Genome position (GRCh38, 1-based): chr17:43,092,329, T>A on the plus strand (A>T on the coding strand, the complement: BRCA1 is on the minus strand). VCF-style: chr17-43092329-T-A. GRCh37 (hg19) VCF-style: chr17-41244346-T-A.
Other names: c.2989A>T, p.Ile997Phe (NM_001407896.1, NM_001407897.1, NM_001407898.1 and 9 more transcripts); c.2992A>T, p.Ile998Phe (NM_001407900.1, NM_001407902.1, NM_001407904.1 and 13 more transcripts); c.2935A>T, p.Ile979Phe (NM_001407931.1, NM_001407932.1, NM_001407934.1 and 2 more transcripts); c.2938A>T, p.Ile980Phe (NM_001407933.1, NM_001407935.1, NM_001407920.1 and 9 more transcripts); c.3079A>T, p.Ile1027Phe (NM_001407937.1, NM_001407938.1, NM_001407939.1 and 19 more transcripts); c.3076A>T, p.Ile1026Phe (NM_001407940.1, NM_001407941.1, NM_001407649.1 and 11 more transcripts); c.2869A>T, p.Ile957Phe (NM_001407950.1, NM_001407951.1, NM_001407952.1 and 6 more transcripts); c.2866A>T, p.Ile956Phe (NM_001407954.1, NM_001407955.1, NM_001407956.1 and 1 more transcripts); and 41 more; short protein forms I1000F, I1001F, I1020F, I1021F, I1026F, I1027F, I1041F, I1042F.
Identifiers: ClinVar variation 4856534 (VCV004856534.1).